The following is an entry in ClinVar:

NM_005751.5(AKAP9):c.6921A>G (p.Gln2307=)

Gene: AKAP9 (A-kinase anchoring protein 9; plus strand). Cytogenetic location: 7q21.2.
Variant type: single nucleotide variant.
Coding change: c.6921A>G on transcript NM_005751.5 (MANE Select); coding-DNA position 6921, A replaced by G.
Protein change: p.Gln2307=; no amino-acid change (glutamine 2307 retained).
Molecular consequence: synonymous variant.
Genome position (GRCh38, 1-based): chr7:92,077,851, A>G. VCF-style: chr7-92077851-A-G. GRCh37 (hg19) VCF-style: chr7-91707165-A-G.
Other names: c.1566A>G, p.Gln522= (NM_001379277.1); c.6897A>G, p.Gln2299= (NM_147185.3).
Identifiers: ClinVar variation 263446 (VCV000263446.50), dbSNP rs141156177, ClinGen allele CA4337196.
Genomic context (GRCh38, chr7:92,077,851, plus strand): 5'-ACAGGAAAAAGAGGTAGAAATTGACCAATTAAATGAACAAGTTACGAAACTCCAGCAGCA[A>G]CTTAAAATTACAACAGATAACAAGGTATACTCATTTAAAATTGATTATGAAATTAATATG-3'
Protein context (NP_005742.4, residues 2297-2317): LNEQVTKLQQ[Gln2307=]LKITTDNKVI

ClinVar aggregate classification (germline): Benign/Likely benign. Review status: criteria provided, multiple submitters, no conflicts (2 of 4 stars). 7 submissions from 7 submitters: Benign (5); Likely benign (2). Last evaluated 2026-01-26.

Conditions:
Cardiovascular phenotype. Identifiers: MedGen CN230736.
Long QT syndrome (LQTS). Identifiers: MedGen C0023976, MeSH D008133, MONDO:0002442. Disease mechanism: loss of function. Inheritance: Various modes of inheritance.
Long QT syndrome 11 (LQT11). Identifiers: Orphanet 101016, Orphanet 768, MedGen C2678483, MONDO:0012738, OMIM 611820.

Allele frequency attached by ClinVar (database versions not stated): gnomAD exomes 0.00095 and 0.00198; TOPMed 0.00122; gnomAD 0.00131 and 0.00136; ExAC 0.00152; ESP Exome Variant Server 0.00200.
gnomAD v4.1: 1,722 of 1,612,902 alleles (0.11%); highest among the groups gnomAD compares: Admixed American, 0.04%; 28 homozygotes.

Submissions (7):

Labcorp Genetics (formerly Invitae), Labcorp
Classification: Benign for Long QT syndrome. Last evaluated: 2026-01-26. Review status: criteria provided, single submitter. Criteria: Invitae Variant Classification Sherloc (09022015). Collection method: clinical testing. Allele origin: germline.

CeGaT Center for Human Genetics Tuebingen
Classification: Likely benign. Last evaluated: 2023-01-01. Review status: criteria provided, single submitter. Criteria: CeGaT Center For Human Genetics Tuebingen Variant Classification Criteria Version 2. Collection method: clinical testing. Allele origin: germline. Affected: yes. Observed: 1 variant allele.
Comment: AKAP9: BP4, BP7

Genome-Nilou Lab
Classification: Benign for Long QT syndrome 11. Last evaluated: 2021-12-05. Review status: criteria provided, single submitter. Criteria: ACMG Guidelines, 2015. Collection method: clinical testing. Allele origin: germline. Affected: no.

Women's Health and Genetics/Laboratory Corporation of America, LabCorp
Classification: Benign. Last evaluated: 2020-01-06. Review status: criteria provided, single submitter. Criteria: LabCorp Variant Classification Summary - May 2015. Collection method: clinical testing. Allele origin: germline.

ARUP Laboratories, Molecular Genetics and Genomics, ARUP Laboratories
Classification: Benign. Last evaluated: 2017-08-14. Review status: criteria provided, single submitter. Criteria: ARUP Molecular Germline Variant Investigation Process. Collection method: clinical testing. Allele origin: germline.

Ambry Genetics
Classification: Likely benign for Cardiovascular phenotype. Last evaluated: 2016-06-16. Review status: criteria provided, single submitter. Criteria: Ambry Variant Classification Scheme 2023. Collection method: clinical testing. Allele origin: germline.

GeneDx
Classification: Benign. Last evaluated: 2015-03-03. Review status: criteria provided, single submitter. Criteria: GeneDx Variant Classification Process June 2021. Collection method: clinical testing. Allele origin: germline. Affected: yes.